The following is an entry in ClinVar:

ClinVar aggregate classification (germline): Uncertain significance (1 of 4 stars; one submission).

Conditions:
Progressive myoclonic epilepsy type 5. Identifiers: Orphanet 402082, MedGen C5190799.

Submission:

Labcorp Genetics (formerly Invitae), Labcorp
Classification: Uncertain significance for Progressive myoclonic epilepsy type 5. Last evaluated: 2024-05-02. Review status: criteria provided, single submitter. Criteria: Invitae Variant Classification Sherloc (09022015). Collection method: clinical testing. Allele origin: germline.
Comment: This sequence change replaces tryptophan, which is neutral and slightly polar, with cysteine, which is neutral and slightly polar, at codon 774 of the PRICKLE2 protein (p.Trp774Cys). This variant is not present in population databases (gnomAD no frequency). This variant has not been reported in the literature in individuals affected with PRICKLE2-related conditions. Advanced modeling of protein sequence and biophysical properties (such as structural, functional, and spatial information, amino acid conservation, physicochemical variation, residue mobility, and thermodynamic stability) performed at Invitae indicates that this missense variant is not expected to disrupt PRICKLE2 protein function with a negative predictive value of 80%. In summary, the available evidence is currently insufficient to determine the role of this variant in disease. Therefore, it has been classified as a Variant of Uncertain Significance.

NM_198859.4(PRICKLE2):c.2322G>C (p.Trp774Cys)

Genes: PRICKLE2-AS1 (PRICKLE2 antisense RNA 1; plus strand), PRICKLE2 (prickle planar cell polarity protein 2; minus strand). Cytogenetic location: 3p14.1.
Variant type: single nucleotide variant.
Coding change: c.2322G>C on transcript NM_198859.4 (MANE Select); coding-DNA position 2322, G replaced by C.
Protein change: p.Trp774Cys; replaces tryptophan 774 with cysteine.
Molecular consequence: missense variant. On other transcripts: non-coding transcript variant (1).
Genome position (GRCh38, 1-based): chr3:64,099,264, C>G on the plus strand (G>C on the coding strand, the complement: PRICKLE2 is on the minus strand). VCF-style: chr3-64099264-C-G. GRCh37 (hg19) VCF-style: chr3-64084940-C-G.
Other names: c.2322G>C, p.Trp774Cys (NM_001370528.1); short protein forms W774C.
Identifiers: ClinVar variation 3687438 (VCV003687438.2).